The following is an entry in ClinVar:

NM_000237.3(LPL):c.767G>A (p.Gly256Glu)

Gene: LPL (lipoprotein lipase; plus strand). Cytogenetic location: 8p21.3.
Variant type: single nucleotide variant.
Coding change: c.767G>A on transcript NM_000237.3 (MANE Select); coding-DNA position 767, G replaced by A.
Protein change: p.Gly256Glu; replaces glycine 256 with glutamic acid.
Molecular consequence: missense variant.
Genome position (GRCh38, 1-based): chr8:19,954,345, G>A. VCF-style: chr8-19954345-G-A. GRCh37 (hg19) VCF-style: chr8-19811856-G-A.
Other names: short protein forms G256E.
Identifiers: ClinVar variation 5001075 (VCV005001075.1).

ClinVar aggregate classification (germline): Uncertain significance (1 of 4 stars; one submission).

Conditions:
LPL-related disorder. Also called: LPL-related condition.

gnomAD v4.1: 10 of 1,613,366 alleles (0.00062%); highest among the groups gnomAD compares: Non-Finnish European, 0.00085%; no homozygotes.

Submission:

PreventionGenetics, part of Exact Sciences
Classification: Uncertain significance for LPL-related condition. Last evaluated: 2025-05-11. Review status: criteria provided, single submitter. Criteria: ACMG Guidelines, 2015. Collection method: clinical testing. Allele origin: germline.
Comment: The LPL c.767G>A variant is predicted to result in the amino acid substitution p.Gly256Glu. To our knowledge, this variant has not been reported in the literature or in a large population database (gnomAD), indicating this variant is rare. At this time, the clinical significance of this variant is uncertain due to the absence of conclusive functional and genetic evidence.